The following is an entry in ClinVar:

ClinVar aggregate classification (germline): Uncertain significance. Review status: criteria provided, multiple submitters, no conflicts (2 of 4 stars). 2 submissions from 2 submitters: Uncertain significance (2). Last evaluated 2024-11-11.

Conditions:
Inborn genetic diseases. Identifiers: MedGen C0950123, MeSH D030342.

Allele frequency attached by ClinVar (database versions not stated): TOPMed 0.00004; gnomAD 0.00005.

Submissions (2):

Ambry Genetics
Classification: Uncertain significance for Inborn genetic diseases. Last evaluated: 2024-11-11. Review status: criteria provided, single submitter. Criteria: Ambry Variant Classification Scheme 2023. Collection method: clinical testing. Allele origin: germline.

Labcorp Genetics (formerly Invitae), Labcorp
Classification: Uncertain significance. Last evaluated: 2023-07-17. Review status: criteria provided, single submitter. Criteria: Invitae Variant Classification Sherloc (09022015). Collection method: clinical testing. Allele origin: germline.
Comment: This sequence change replaces arginine, which is basic and polar, with cysteine, which is neutral and slightly polar, at codon 218 of the DOCK6 protein (p.Arg218Cys). This variant is present in population databases (rs751649365, gnomAD 0.02%). This variant has not been reported in the literature in individuals affected with DOCK6-related conditions. ClinVar contains an entry for this variant (Variation ID: 1500183). Advanced modeling of protein sequence and biophysical properties (such as structural, functional, and spatial information, amino acid conservation, physicochemical variation, residue mobility, and thermodynamic stability) performed at Invitae indicates that this missense variant is not expected to disrupt DOCK6 protein function. In summary, the available evidence is currently insufficient to determine the role of this variant in disease. Therefore, it has been classified as a Variant of Uncertain Significance.

NM_020812.4(DOCK6):c.652C>T (p.Arg218Cys)

Gene: DOCK6 (dedicator of cytokinesis 6; minus strand). Cytogenetic location: 19p13.2.
Variant type: single nucleotide variant.
Coding change: c.652C>T on transcript NM_020812.4 (MANE Select); coding-DNA position 652, C replaced by T.
Protein change: p.Arg218Cys; replaces arginine 218 with cysteine.
Molecular consequence: missense variant.
Genome position (GRCh38, 1-based): chr19:11,250,942, G>A on the plus strand (C>T on the coding strand, the complement: DOCK6 is on the minus strand). VCF-style: chr19-11250942-G-A. GRCh37 (hg19) VCF-style: chr19-11361618-G-A.
Other names: c.652C>T, p.Arg218Cys (NM_001367830.1); c.652C>T (NM_020812.2); short protein forms R218C.
Identifiers: ClinVar variation 1500183 (VCV001500183.5), dbSNP rs751649365, ClinGen allele CA9208415.
Genomic context (GRCh38, chr19:11,250,942, plus strand): 5'-GTGCCGGGTAGAGGGTGAGCAGGGCCGGGGGCCGGTGCTGCCGTCGAAGGGTTTCATTGC[G>A]CCGGTCCACATCTTCTGGGGCCGCCCGCTCTAGCAGAGAGGGCAGCAATGAGTCAGCTGC-3'
Protein context (NP_065863.2, residues 208-228): ERAAPEDVDR[Arg218Cys]NETLRRQHRP